The following is an entry in ClinVar:

ClinVar aggregate classification (germline): Uncertain significance. Review status: criteria provided, multiple submitters, no conflicts (2 of 4 stars). 3 submissions from 3 submitters: Uncertain significance (3). Last evaluated 2026-08-11.

Conditions:
WRN-related disorder. Also called: WRN-related condition.
Inborn genetic diseases. Identifiers: MedGen C0950123, MeSH D030342.
Werner syndrome (WRN). Identifiers: Orphanet 902, MedGen C0043119, MONDO:0010196, OMIM 277700.

Allele frequency attached by ClinVar (database versions not stated): TOPMed 0.00001; ExAC 0.00002; gnomAD 0.00002; gnomAD exomes 0.00002; ESP Exome Variant Server 0.00008.
gnomAD v4.1: 65 of 1,613,500 alleles (0.004%); highest among the groups gnomAD compares: Admixed American, 0.0083%; no homozygotes.

Submissions (3):

PreventionGenetics, part of Exact Sciences
Classification: Uncertain significance for WRN-related condition. Last evaluated: 2026-08-11. Review status: criteria provided, single submitter. Criteria: ACMG Guidelines, 2015. Collection method: clinical testing. Allele origin: germline.
Comment: The WRN c.747C>A variant is predicted to result in the amino acid substitution p.Asp249Glu. To our knowledge, this variant has not been reported in the literature. This variant is reported in 0.0058% of alleles in individuals of Latino descent in gnomAD. This variant has an interpretation of uncertain significance in ClinVar (Variation ID: 458498). At this time, the clinical significance of this variant is uncertain due to the absence of conclusive functional and genetic evidence.

Labcorp Genetics (formerly Invitae), Labcorp
Classification: Uncertain significance for Werner syndrome. Last evaluated: 2025-11-17. Review status: criteria provided, single submitter. Criteria: Invitae Variant Classification Sherloc (09022015). Collection method: clinical testing. Allele origin: germline.
Comment: This sequence change replaces aspartic acid, which is acidic and polar, with glutamic acid, which is acidic and polar, at codon 249 of the WRN protein (p.Asp249Glu). This variant is present in population databases (rs374142752, gnomAD 0.006%). This variant has not been reported in the literature in individuals affected with WRN-related conditions. ClinVar contains an entry for this variant (Variation ID: 458498). An algorithm developed to predict the effect of missense changes on protein structure and function outputs the following: PolyPhen-2: "Benign". The glutamic acid amino acid residue is found in multiple mammalian species, which suggests that this missense change does not adversely affect protein function. In summary, the available evidence is currently insufficient to determine the role of this variant in disease. Therefore, it has been classified as a Variant of Uncertain Significance.

Ambry Genetics
Classification: Uncertain significance for Inborn genetic diseases. Last evaluated: 2025-03-30. Review status: criteria provided, single submitter. Criteria: Ambry Variant Classification Scheme 2023. Collection method: clinical testing. Allele origin: germline.

NM_000553.6(WRN):c.747C>A (p.Asp249Glu)

Gene: WRN (WRN RecQ like helicase; plus strand). Cytogenetic location: 8p12.
Variant type: single nucleotide variant.
Coding change: c.747C>A on transcript NM_000553.6 (MANE Select); coding-DNA position 747, C replaced by A.
Protein change: p.Asp249Glu; replaces aspartic acid 249 with glutamic acid.
Molecular consequence: missense variant.
Genome position (GRCh38, 1-based): chr8:31,076,195, C>A. VCF-style: chr8-31076195-C-A. GRCh37 (hg19) VCF-style: chr8-30933711-C-A.
Other names: short protein forms D249E.
Identifiers: ClinVar variation 458498 (VCV000458498.11), dbSNP rs374142752, ClinGen allele CA4704160.
Genomic context (GRCh38, chr8:31,076,195, plus strand): 5'-GTGGTTTGAAAATTAATATTGATTTTTTTTCCCCCTAGAGGAAGAAATCCTACTTAGCGA[C>A]ATGAACAAACAGTTGACTTCAATCTCTGAGGAAGTGATGGATCTGGCTAAGCATCTTCCT-3'
Protein context (NP_000544.2, residues 239-259): INKEEEILLS[Asp249Glu]MNKQLTSISE